The following is an entry in ClinVar:

ClinVar aggregate classification (germline): Uncertain significance. Review status: criteria provided, multiple submitters, no conflicts (2 of 4 stars). 2 submissions from 2 submitters: Uncertain significance (2). Last evaluated 2025-12-16.

Conditions:
Emery-Dreifuss muscular dystrophy (EDMD). Also called: Scapuloperoneal syndrome, X-linked (formerly); Humeroperoneal neuromuscular disease, (formerly). Identifiers: Orphanet 261, MedGen C0410189, MONDO:0016830.

Allele frequency attached by ClinVar (database versions not stated): TOPMed 0.00012; gnomAD 0.00013; 1000 Genomes Project 30x 0.00016; 1000 Genomes Project 0.00020.
gnomAD v4.1: 43 of 1,614,198 alleles (0.0027%); highest among the groups gnomAD compares: African/African-American, 0.043%; 1 homozygote.

Submissions (2):

Labcorp Genetics (formerly Invitae), Labcorp
Classification: Uncertain significance for Emery-Dreifuss muscular dystrophy. Last evaluated: 2025-12-16. Review status: criteria provided, single submitter. Criteria: Invitae Variant Classification Sherloc (09022015). Collection method: clinical testing. Allele origin: germline.
Comment: This sequence change replaces threonine, which is neutral and polar, with serine, which is neutral and polar, at codon 97 of the SUN1 protein (p.Thr97Ser). This variant is present in population databases (rs536026654, gnomAD 0.02%). This variant has not been reported in the literature in individuals affected with SUN1-related conditions. ClinVar contains an entry for this variant (Variation ID: 1357749). An algorithm developed to predict the effect of missense changes on protein structure and function (PolyPhen-2) suggests that this variant is likely to be tolerated. In summary, the available evidence is currently insufficient to determine the role of this variant in disease. Therefore, it has been classified as a Variant of Uncertain Significance.

Ambry Genetics
Classification: Uncertain significance. Last evaluated: 2021-06-11. Review status: criteria provided, single submitter. Criteria: Ambry Variant Classification Scheme 2023. Collection method: clinical testing. Allele origin: germline.

NM_001130965.3(SUN1):c.289A>T (p.Thr97Ser)

Gene: SUN1 (Sad1 and UNC84 domain containing 1; plus strand). Cytogenetic location: 7p22.3.
Variant type: single nucleotide variant.
Coding change: c.289A>T on transcript NM_001130965.3 (MANE Select); coding-DNA position 289, A replaced by T.
Protein change: p.Thr97Ser; replaces threonine 97 with serine.
Molecular consequence: missense variant. On other transcripts: 5 prime UTR variant (4), non-coding transcript variant (3).
Genome position (GRCh38, 1-based): chr7:841,968, A>T. VCF-style: chr7-841968-A-T. GRCh37 (hg19) VCF-style: chr7-881605-A-T.
Other names: c.-169A>T (NM_001367635.1); c.139A>T, p.Thr47Ser (NM_001367636.1, NM_001367637.1, NM_001367644.1 and 24 more transcripts); c.289A>T, p.Thr97Ser (NM_001367638.1, NM_001367640.1, NM_001367641.1 and 34 more transcripts); c.-279A>T (NM_001367639.1, NM_001367708.1); c.100A>T, p.Thr34Ser (NM_001367695.1); c.289A>T (NM_001130965.2); c.352A>T, p.Thr118Ser (NM_001171945.2); c.508A>T, p.Thr170Ser (NM_001367651.1); and 1 more; short protein forms T97S, T118S, T34S, T170S, T47S.
Identifiers: ClinVar variation 1357749 (VCV001357749.7), dbSNP rs536026654, ClinGen allele CA4111464.